The following is an entry in ClinVar:

NM_172364.5(CACNA2D4):c.2035CTGGCC[3] (p.Ala682_Gly683insLeuAla)

Gene: CACNA2D4 (calcium voltage-gated channel auxiliary subunit alpha2delta 4; minus strand). Cytogenetic location: 12p13.33.
Variant type: Microsatellite.
Coding change: c.2035CTGGCC[3] on transcript NM_172364.5 (MANE Select); three copies in a row of the 6-base unit CTGGCC starting at c.2035; the reference has two copies in a row; one copy, 6 bases duplicated.
Protein change: p.Ala682_Gly683insLeuAla.
Molecular consequence: inframe insertion.
Genome position (GRCh38, 1-based): chr12:1,856,192-1,856,197, GGCCAG duplicated on the plus strand (CTGGCC on the coding strand, the reverse complement: CACNA2D4 is on the minus strand); duplicating any 6 consecutive bases within chr12:1,856,192-1,856,204 gives the same sequence; the position shown is the placement nearest the transcript's 3' end. VCF-style (leftmost placement, unchanged base first): chr12-1856191-C-CGGCCAG. GRCh37 (hg19) VCF-style: chr12-1965357-C-CGGCCAG.
Identifiers: ClinVar variation 2805602 (VCV002805602.3), dbSNP rs2498043196, ClinGen allele CA2739271819.

ClinVar aggregate classification (germline): Uncertain significance (1 of 4 stars; one submission).

Submission:

Labcorp Genetics (formerly Invitae), Labcorp
Classification: Uncertain significance. Last evaluated: 2023-06-03. Review status: criteria provided, single submitter. Criteria: Invitae Variant Classification Sherloc (09022015). Collection method: clinical testing. Allele origin: germline.
Comment: This variant has not been reported in the literature in individuals affected with CACNA2D4-related conditions. In summary, the available evidence is currently insufficient to determine the role of this variant in disease. Therefore, it has been classified as a Variant of Uncertain Significance. This variant is not present in population databases (gnomAD no frequency). This variant, c.2041_2046dup, results in the insertion of 2 amino acid(s) of the CACNA2D4 protein (p.Leu681_Ala682dup), but otherwise preserves the integrity of the reading frame.